The following is an entry in ClinVar:

NM_001199107.2(TBC1D24):c.*1691G>A

Gene: TBC1D24 (TBC1 domain family member 24; plus strand). Cytogenetic location: 16p13.3.
Variant type: single nucleotide variant.
Coding change: c.*1691G>A on transcript NM_001199107.2 (MANE Select); 1691 bases downstream of the stop codon, G replaced by A.
Molecular consequence: 3 prime UTR variant.
Genome position (GRCh38, 1-based): chr16:2,502,649, G>A. VCF-style: chr16-2502649-G-A. GRCh37 (hg19) VCF-style: chr16-2552650-G-A.
Other names: c.*1691G>A (NM_020705.3).
Identifiers: ClinVar variation 318648 (VCV000318648.6), dbSNP rs77858505, ClinGen allele CA10647240.

ClinVar aggregate classification (germline): Benign. Review status: criteria provided, multiple submitters, no conflicts (2 of 4 stars). 2 submissions from 2 submitters: Benign (2). Last evaluated 2018-01-13.

Conditions:
Familial infantile myoclonic epilepsy (FIME). Also called: TBC1D24-Related Familial Infantile Myoclonic Epilepsy (FIME); Epilepsy, Myoclonic, Infantile. Identifiers: Orphanet 352582, MedGen C0917800, MONDO:0011506, OMIM 605021.

Allele frequency attached by ClinVar (database versions not stated): 1000 Genomes Project 30x 0.00687; 1000 Genomes Project 0.00699; gnomAD 0.01543 and 0.01614; gnomAD exomes 0.02165; TOPMed 0.01586.
gnomAD v4.1: 2,352 of 152,788 alleles (1.5%); highest among the groups gnomAD compares: Non-Finnish European, 2.4%; 30 homozygotes.

Submissions (2):

Illumina Laboratory Services, Illumina
Classification: Benign for Familial infantile myoclonic epilepsy. Last evaluated: 2018-01-13. Review status: criteria provided, single submitter. Criteria: ICSL Variant Classification Criteria 13 December 2019. Collection method: clinical testing. Allele origin: germline.
Comment: This variant was observed in the ICSL laboratory as part of a predisposition screen in an ostensibly healthy population. It had not been previously curated by ICSL or reported in the Human Gene Mutation Database (HGMD: prior to June 1st, 2018), and was therefore a candidate for classification through an automated scoring system. Utilizing variant allele frequency, disease prevalence and penetrance estimates, and inheritance mode, an automated score was calculated to assess if this variant is too frequent to cause the disease. Based on the score and internal cut-off values, a variant classified as benign is not then subjected to further curation. The score for this variant resulted in a classification of benign for this disease.

Breakthrough Genomics
Classification: Benign. Review status: criteria provided, single submitter. Criteria: ACMG Guidelines, 2015. Collection method: not provided. Allele origin: germline. Inheritance: Autosomal recessive inheritance. Affected: yes.